The following is an entry in ClinVar:

ClinVar aggregate classification (germline): Uncertain significance (1 of 4 stars; one submission).

Submission:

GeneDx
Classification: Uncertain significance. Last evaluated: 2022-06-22. Review status: criteria provided, single submitter. Criteria: GeneDx Variant Classification Process June 2021. Collection method: clinical testing. Allele origin: germline. Affected: yes.
Comment: Not observed at significant frequency in large population cohorts (gnomAD); In silico analysis supports that this missense variant has a deleterious effect on protein structure/function; Has not been previously published as pathogenic or benign to our knowledge

NM_194248.3(OTOF):c.376G>T (p.Gly126Cys)

Gene: OTOF (otoferlin; minus strand). Cytogenetic location: 2p23.3.
Variant type: single nucleotide variant.
Coding change: c.376G>T on transcript NM_194248.3 (MANE Select); coding-DNA position 376, G replaced by T.
Protein change: p.Gly126Cys; replaces glycine 126 with cysteine.
Molecular consequence: missense variant.
Genome position (GRCh38, 1-based): chr2:26,516,551, C>A on the plus strand (G>T on the coding strand, the complement: OTOF is on the minus strand). VCF-style: chr2-26516551-C-A. GRCh37 (hg19) VCF-style: chr2-26739419-C-A.
Other names: c.376G>T, p.Gly126Cys (NM_001287489.2); short protein forms G126C.
Identifiers: ClinVar variation 1806766 (VCV001806766.1), dbSNP rs1318800399, ClinGen allele CA346139495.